The following is an entry in ClinVar:

NM_016239.4(MYO15A):c.6102G>A (p.Gln2034=)

Gene: MYO15A (myosin XVA; plus strand). Cytogenetic location: 17p11.2.
Variant type: single nucleotide variant.
Coding change: c.6102G>A on transcript NM_016239.4 (MANE Select); coding-DNA position 6102, G replaced by A.
Protein change: p.Gln2034=; no amino-acid change (glutamine 2034 retained).
Molecular consequence: synonymous variant.
Genome position (GRCh38, 1-based): chr17:18,143,925, G>A. VCF-style: chr17-18143925-G-A. GRCh37 (hg19) VCF-style: chr17-18047239-G-A.
Identifiers: ClinVar variation 3257372 (VCV003257372.17).

ClinVar aggregate classification (germline): Uncertain significance (1 of 4 stars; one submission).

Submission:

CeGaT Center for Human Genetics Tuebingen
Classification: Uncertain significance. Last evaluated: 2024-07-01. Review status: criteria provided, single submitter. Criteria: CeGaT Center For Human Genetics Tuebingen Variant Classification Criteria Version 2. Collection method: clinical testing. Allele origin: germline. Affected: yes. Observed: 1 variant allele.
Comment: MYO15A: PM2:Supporting, BP4